The following is an entry in ClinVar:

ClinVar aggregate classification (germline): Uncertain significance (1 of 4 stars; one submission).

Allele frequency attached by ClinVar (database versions not stated): ExAC 0.00001; gnomAD 0.00001; gnomAD exomes 0.00001; TOPMed 0.00001.
gnomAD v4.1: 11 of 1,613,352 alleles (0.00068%); highest among the groups gnomAD compares: African/African-American, 0.0013%; no homozygotes.

Submission:

Labcorp Genetics (formerly Invitae), Labcorp
Classification: Uncertain significance. Last evaluated: 2022-12-28. Review status: criteria provided, single submitter. Criteria: Invitae Variant Classification Sherloc (09022015). Collection method: clinical testing. Allele origin: germline.
Comment: This sequence change replaces serine, which is neutral and polar, with leucine, which is neutral and non-polar, at codon 185 of the FGF23 protein (p.Ser185Leu). This variant is present in population databases (rs780315628, gnomAD 0.004%). In summary, the available evidence is currently insufficient to determine the role of this variant in disease. Therefore, it has been classified as a Variant of Uncertain Significance. Algorithms developed to predict the effect of missense changes on protein structure and function output the following: SIFT: "Tolerated"; PolyPhen-2: "Benign"; Align-GVGD: "Class C0". The leucine amino acid residue is found in multiple mammalian species, which suggests that this missense change does not adversely affect protein function. This variant has not been reported in the literature in individuals affected with FGF23-related conditions.

NM_020638.3(FGF23):c.554C>T (p.Ser185Leu)

Gene: FGF23 (fibroblast growth factor 23; minus strand). Cytogenetic location: 12p13.32.
Variant type: single nucleotide variant.
Coding change: c.554C>T on transcript NM_020638.3 (MANE Select); coding-DNA position 554, C replaced by T.
Protein change: p.Ser185Leu; replaces serine 185 with leucine.
Molecular consequence: missense variant.
Genome position (GRCh38, 1-based): chr12:4,370,545, G>A on the plus strand (C>T on the coding strand, the complement: FGF23 is on the minus strand). VCF-style: chr12-4370545-G-A. GRCh37 (hg19) VCF-style: chr12-4479711-G-A.
Other names: short protein forms S185L.
Identifiers: ClinVar variation 2878921 (VCV002878921.3), dbSNP rs780315628, ClinGen allele CA6395654.